The following is an entry in ClinVar:

ClinVar aggregate classification (germline): Conflicting classifications of pathogenicity. Review status: criteria provided, conflicting classifications (1 of 4 stars). 2 submissions from 2 submitters: Uncertain significance (1); Likely benign (1). Last evaluated 2026-04-23.

Conditions:
Hereditary cancer-predisposing syndrome. Also called: Hereditary neoplastic syndrome; Neoplastic Syndromes, Hereditary; Tumor predisposition; Hereditary Cancer Syndrome. Identifiers: Orphanet 140162, MedGen C0027672, MeSH D009386, MONDO:0015356.
EGFR-related lung cancer (EGFR). Identifiers: MedGen CN130014.

Allele frequency attached by ClinVar (database versions not stated): gnomAD exomes below 0.00001.
gnomAD v4.1: 1 of 1,613,110 alleles (0.000062%); highest among the groups gnomAD compares: Non-Finnish European, 0.000085%; no homozygotes.

Submissions (2):

Ambry Genetics
Classification: Likely benign for Hereditary cancer-predisposing syndrome. Last evaluated: 2026-04-23. Review status: criteria provided, single submitter. Criteria: Ambry Variant Classification Scheme 2023. Collection method: clinical testing. Allele origin: germline.

Labcorp Genetics (formerly Invitae), Labcorp
Classification: Uncertain significance for EGFR-related lung cancer. Last evaluated: 2021-12-05. Review status: criteria provided, single submitter. Criteria: Invitae Variant Classification Sherloc (09022015). Collection method: clinical testing. Allele origin: germline.
Comment: This variant is not present in population databases (gnomAD no frequency). This sequence change replaces glutamic acid, which is acidic and polar, with aspartic acid, which is acidic and polar, at codon 496 of the EGFR protein (p.Glu496Asp). This variant has not been reported in the literature in individuals affected with EGFR-related conditions. ClinVar contains an entry for this variant (Variation ID: 1016573). Algorithms developed to predict the effect of missense changes on protein structure and function output the following: SIFT: "Tolerated"; PolyPhen-2: "Benign"; Align-GVGD: "Class C0". The aspartic acid amino acid residue is found in multiple mammalian species, which suggests that this missense change does not adversely affect protein function. In summary, the available evidence is currently insufficient to determine the role of this variant in disease. Therefore, it has been classified as a Variant of Uncertain Significance.

NM_005228.5(EGFR):c.1488A>C (p.Glu496Asp)

Gene: EGFR (epidermal growth factor receptor; plus strand). Cytogenetic location: 7p11.2.
Variant type: single nucleotide variant.
Coding change: c.1488A>C on transcript NM_005228.5 (MANE Select); coding-DNA position 1488, A replaced by C.
Protein change: p.Glu496Asp; replaces glutamic acid 496 with aspartic acid.
Molecular consequence: missense variant.
Genome position (GRCh38, 1-based): chr7:55,160,328, A>C. VCF-style: chr7-55160328-A-C. GRCh37 (hg19) VCF-style: chr7-55228021-A-C.
Other names: c.1488A>C (NM_005228.3); c.1353A>C, p.Glu451Asp (NM_001346897.2, NM_001346899.2); c.1488A>C, p.Glu496Asp (NM_001346898.2, NM_201282.2, NM_201284.2); c.1329A>C, p.Glu443Asp (NM_001346900.2); c.687A>C, p.Glu229Asp (NM_001346941.2); short protein forms E229D, E443D, E451D, E496D.
Identifiers: ClinVar variation 1016573 (VCV001016573.7), dbSNP rs1785633928, ClinGen allele CA367579720.
Genomic context (GRCh38, chr7:55,160,328, plus strand): 5'-CTGGAAAAAACTGTTTGGGACCTCCGGTCAGAAAACCAAAATTATAAGCAACAGAGGTGA[A>C]AACAGCTGCAGTAAGTCACCGCTTTCTGTTTAGTTTATGGAGTTGGTTCTAATGGGTCCT-3'
Protein context (NP_005219.2, residues 486-506): QKTKIISNRG[Glu496Asp]NSCKATGQVC